The following is an entry in ClinVar:

NM_005359.6(SMAD4):c.1265C>T (p.Pro422Leu)

Gene: SMAD4 (SMAD family member 4; plus strand). Cytogenetic location: 18q21.2.
Variant type: single nucleotide variant.
Coding change: c.1265C>T on transcript NM_005359.6 (MANE Select); coding-DNA position 1265, C replaced by T.
Protein change: p.Pro422Leu; replaces proline 422 with leucine.
Molecular consequence: missense variant. On other transcripts: non-coding transcript variant (1).
Genome position (GRCh38, 1-based): chr18:51,067,144, C>T. VCF-style: chr18-51067144-C-T. GRCh37 (hg19) VCF-style: chr18-48593514-C-T.
Other names: c.1265C>T, p.Pro422Leu (NM_001407041.1, NM_001407042.1); short protein forms P422L.
Identifiers: ClinVar variation 3238393 (VCV003238393.2), dbSNP rs2144452681.

ClinVar aggregate classification (germline): Uncertain significance (1 of 4 stars; one submission).

Conditions:
Familial thoracic aortic aneurysm and aortic dissection (TAAD). Also called: Thoracic aortic aneurysms and dissections. Identifiers: Orphanet 91387, MedGen C4707243, MONDO:0019625.
Hereditary cancer-predisposing syndrome. Also called: Neoplastic Syndromes, Hereditary; Tumor predisposition; Hereditary Cancer Syndrome; Hereditary neoplastic syndrome. Identifiers: Orphanet 140162, MedGen C0027672, MeSH D009386, MONDO:0015356.

Submission:

Ambry Genetics
Classification: Uncertain significance for Hereditary cancer-predisposing syndrome; Familial thoracic aortic aneurysm and aortic dissection. Last evaluated: 2026-08-12. Review status: criteria provided, single submitter. Criteria: Ambry Variant Classification Scheme 2023. Collection method: clinical testing. Allele origin: germline.
Comment: The p.P422L variant (also known as c.1265C>T), located in coding exon 9 of the SMAD4 gene, results from a C to T substitution at nucleotide position 1265. The proline at codon 422 is replaced by leucine, an amino acid with similar properties. This amino acid position is highly conserved in available vertebrate species. In addition, this alteration is predicted to be deleterious by in silico analysis. Based on the available evidence, the clinical significance of this variant remains unclear.